The following is an entry in ClinVar:

NM_006623.4(PHGDH):c.1153C>T (p.Gln385Ter)

Gene: PHGDH (phosphoglycerate dehydrogenase; plus strand). Cytogenetic location: 1p12.
Variant type: single nucleotide variant.
Coding change: c.1153C>T on transcript NM_006623.4 (MANE Select); coding-DNA position 1153, C replaced by T.
Protein change: p.Gln385Ter; replaces glutamine 385 with a stop codon.
Molecular consequence: nonsense.
Genome position (GRCh38, 1-based): chr1:119,741,841, C>T. VCF-style: chr1-119741841-C-T. GRCh37 (hg19) VCF-style: chr1-120284464-C-T.
Other names: c.1153C>T (NM_006623.3); short protein forms Q385*.
Identifiers: ClinVar variation 1075323 (VCV001075323.9), dbSNP rs2101221217, ClinGen allele CA341853029.

ClinVar aggregate classification (germline): Pathogenic/Likely pathogenic. Review status: criteria provided, multiple submitters, no conflicts (2 of 4 stars). 3 submissions from 3 submitters: Pathogenic (1); Likely pathogenic (2). Last evaluated 2025-04-24.

Conditions:
PHGDH deficiency. Identifiers: Orphanet 79351, MedGen C1866174, MONDO:0011152, OMIM 601815.
Neu-Laxova syndrome 1 (NLS1). Identifiers: Orphanet 2671, Orphanet 583607, MedGen C4551478, MONDO:0009736, OMIM 256520. Disease mechanism: loss of function.

Submissions (3):

Natera, Inc.
Classification: Likely pathogenic for Phosphoglycerate dehydrogenase deficiency. Last evaluated: 2025-04-24. Review status: criteria provided, single submitter. Criteria: Natera Variant Classification Schema (03/2026). Collection method: clinical testing. Allele origin: germline.
Comment: The c.1153C>T variant in PHGDH is a nonsense variant predicted to introduce a stop codon at amino acid 385. This variant is expected to result in nonsense mediated decay, truncation, or a dysfunctional protein product. This variant is rare in the general population with a frequency below the threshold expected for the associated phenotype(s). Given the available evidence, this variant is classified as Likely Pathogenic.

Fulgent Genetics
Classification: Likely pathogenic for Neu-Laxova syndrome 1; PHGDH deficiency. Last evaluated: 2024-05-22. Review status: criteria provided, single submitter. Criteria: ACMG Guidelines, 2015. Collection method: clinical testing. Allele origin: germline.

Labcorp Genetics (formerly Invitae), Labcorp
Classification: Pathogenic for PHGDH deficiency. Last evaluated: 2022-09-05. Review status: criteria provided, single submitter. Criteria: Invitae Variant Classification Sherloc (09022015). Collection method: clinical testing. Allele origin: germline.
Comment: For these reasons, this variant has been classified as Pathogenic. Algorithms developed to predict the effect of sequence changes on RNA splicing suggest that this variant may create or strengthen a splice site. ClinVar contains an entry for this variant (Variation ID: 1075323). This variant has not been reported in the literature in individuals affected with PHGDH-related conditions. This variant is not present in population databases (gnomAD no frequency). This sequence change creates a premature translational stop signal (p.Gln385*) in the PHGDH gene. It is expected to result in an absent or disrupted protein product. Loss-of-function variants in PHGDH are known to be pathogenic (PMID: 14645240, 24836451).

Literature cited by the submitters: PubMed 14645240 (cited by Labcorp Genetics (formerly Invitae), Labcorp); PubMed 24836451 (cited by Labcorp Genetics (formerly Invitae), Labcorp).